The following is an entry in ClinVar:

ClinVar aggregate classification (germline): Uncertain significance (1 of 4 stars; one submission).

Conditions:
Hereditary cancer-predisposing syndrome. Also called: Neoplastic Syndromes, Hereditary; Tumor predisposition; Hereditary neoplastic syndrome; Hereditary Cancer Syndrome. Identifiers: Orphanet 140162, MedGen C0027672, MeSH D009386, MONDO:0015356.

Submission:

Ambry Genetics
Classification: Uncertain significance for Hereditary cancer-predisposing syndrome. Last evaluated: 2024-01-22. Review status: criteria provided, single submitter. Criteria: Ambry Variant Classification Scheme 2023. Collection method: clinical testing. Allele origin: germline.
Comment: The p.V234L variant (also known as c.700G>C), located in coding exon 9 of the MUTYH gene, results from a G to C substitution at nucleotide position 700. The valine at codon 234 is replaced by leucine, an amino acid with highly similar properties. This amino acid position is not well conserved in available vertebrate species. In addition, the in silico prediction for this alteration is inconclusive. Based on the available evidence, the clinical significance of this alteration remains unclear.

NM_001048174.2(MUTYH):c.616G>C (p.Val206Leu)

Gene: MUTYH (mutY DNA glycosylase; minus strand). Cytogenetic location: 1p34.1.
Variant type: single nucleotide variant.
Coding change: c.616G>C on transcript NM_001048174.2 (MANE Select); coding-DNA position 616, G replaced by C.
Protein change: p.Val206Leu; replaces valine 206 with leucine.
Molecular consequence: missense variant. On other transcripts: non-coding transcript variant (7).
Genome position (GRCh38, 1-based): chr1:45,332,479, C>G on the plus strand (G>C on the coding strand, the complement: MUTYH is on the minus strand). VCF-style: chr1-45332479-C-G. GRCh37 (hg19) VCF-style: chr1-45798151-C-G.
Other names: c.616G>C, p.Val206Leu (NM_001048171.2, NM_001048173.2, NM_001293195.2 and 6 more transcripts); c.619G>C, p.Val207Leu (NM_001048172.2, NM_001407071.1, NM_001407078.1 and 1 more transcripts); c.700G>C, p.Val234Leu (NM_001128425.2); c.661G>C, p.Val221Leu (NM_001293190.2); c.649G>C, p.Val217Leu (NM_001293191.2, NM_001407069.1, NM_001407077.1); c.340G>C, p.Val114Leu (NM_001293192.2, NM_001293196.2, NM_001407091.1); c.271G>C, p.Val91Leu (NM_001350650.2, NM_001350651.2, NM_001407082.1); c.532G>C, p.Val178Leu (NM_001407075.1); and 5 more; short protein forms V114L, V178L, V192L, V193L, V206L, V207L, V213L, V217L.
Identifiers: ClinVar variation 3233050 (VCV003233050.1), dbSNP rs200165598, ClinGen allele CA340134931.